The following is an entry in ClinVar:

ClinVar aggregate classification (germline): Pathogenic (1 of 4 stars; one submission).

Submission:

GeneDx
Classification: Pathogenic. Last evaluated: 2025-01-16. Review status: criteria provided, single submitter. Criteria: GeneDx Variant Classification Process June 2021. Collection method: clinical testing. Allele origin: germline.
Comment: Not observed at significant frequency in large population cohorts (gnomAD); In silico analysis supports that this missense variant has a deleterious effect on protein structure/function; Has not been previously published as pathogenic or benign to our knowledge

NM_005859.5(PURA):c.478A>C (p.Lys160Gln)

Gene: PURA (purine rich element binding protein A; plus strand). Cytogenetic location: 5q31.3.
Variant type: single nucleotide variant.
Coding change: c.478A>C on transcript NM_005859.5 (MANE Select); coding-DNA position 478, A replaced by C.
Protein change: p.Lys160Gln; replaces lysine 160 with glutamine.
Molecular consequence: missense variant.
Genome position (GRCh38, 1-based): chr5:140,114,659, A>C. VCF-style: chr5-140114659-A-C. GRCh37 (hg19) VCF-style: chr5-139494244-A-C.
Other names: short protein forms K160Q.
Identifiers: ClinVar variation 2504912 (VCV002504912.2), dbSNP rs2126749118, ClinGen allele CA361490859.